The following is an entry in ClinVar:

NM_001001957.2(OR2W3):c.736A>G (p.Thr246Ala)

Gene: OR2W3 (olfactory receptor family 2 subfamily W member 3; plus strand). Cytogenetic location: 1q44.
Variant type: single nucleotide variant.
Coding change: c.736A>G on transcript NM_001001957.2 (MANE Select); coding-DNA position 736, A replaced by G.
Protein change: p.Thr246Ala; replaces threonine 246 with alanine.
Molecular consequence: missense variant.
Genome position (GRCh38, 1-based): chr1:247,896,322, A>G. VCF-style: chr1-247896322-A-G. GRCh37 (hg19) VCF-style: chr1-248059624-A-G.
Other names: short protein forms T246A.
Identifiers: ClinVar variation 1963447 (VCV001963447.5), dbSNP rs934412163, ClinGen allele CA40764849.

ClinVar aggregate classification (germline): Uncertain significance (1 of 4 stars; one submission).

Allele frequency attached by ClinVar (database versions not stated): gnomAD 0.00001; TOPMed 0.00001.
gnomAD v4.1: 1 of 1,613,964 alleles (0.000062%); highest among the groups gnomAD compares: African/African-American, 0.0013%; no homozygotes.

Submission:

Labcorp Genetics (formerly Invitae), Labcorp
Classification: Uncertain significance. Last evaluated: 2022-06-30. Review status: criteria provided, single submitter. Criteria: Invitae Variant Classification Sherloc (09022015). Collection method: clinical testing. Allele origin: germline.
Comment: In summary, the available evidence is currently insufficient to determine the role of this variant in disease. Therefore, it has been classified as a Variant of Uncertain Significance. Algorithms developed to predict the effect of missense changes on protein structure and function are either unavailable or do not agree on the potential impact of this missense change (SIFT: "Deleterious"; PolyPhen-2: "Benign"; Align-GVGD: "Class C55"). This variant has not been reported in the literature in individuals affected with OR2W3-related conditions. This variant is not present in population databases (gnomAD no frequency). This sequence change replaces threonine, which is neutral and polar, with alanine, which is neutral and non-polar, at codon 246 of the OR2W3 protein (p.Thr246Ala).